The following is an entry in ClinVar:

ClinVar aggregate classification (germline): Benign/Likely benign. Review status: criteria provided, multiple submitters, no conflicts (2 of 4 stars). 8 submissions from 8 submitters: Benign (3); Likely benign (5). Last evaluated 2026-01-10.

Conditions:
Cardiovascular phenotype. Identifiers: MedGen CN230736.
Long QT syndrome (LQTS). Identifiers: MedGen C0023976, MeSH D008133, MONDO:0002442. Disease mechanism: loss of function. Inheritance: Various modes of inheritance.
Cardiac arrhythmia, ankyrin-B-related. Also called: ANKYRIN-B SYNDROME. Identifiers: Orphanet 101016, Orphanet 768, MedGen C1970119, MONDO:0010958, OMIM 600919.

Allele frequency attached by ClinVar (database versions not stated): gnomAD 0.00038; TOPMed 0.00056; 1000 Genomes Project 0.00140; 1000 Genomes Project 30x 0.00141.
gnomAD v4.1: 498 of 1,614,052 alleles (0.031%); highest among the groups gnomAD compares: East Asian, 0.82%; 4 homozygotes.

Submissions (8):

Labcorp Genetics (formerly Invitae), Labcorp
Classification: Benign for Long QT syndrome. Last evaluated: 2026-01-10. Review status: criteria provided, single submitter. Criteria: Invitae Variant Classification Sherloc (09022015). Collection method: clinical testing. Allele origin: germline.

CeGaT Center for Human Genetics Tuebingen
Classification: Likely benign. Last evaluated: 2025-06-01. Review status: criteria provided, single submitter. Criteria: CeGaT Center For Human Genetics Tuebingen Variant Classification Criteria Version 2. Collection method: clinical testing. Allele origin: germline. Affected: yes. Observed: 2 variant alleles.
Comment: ANK2: BP4, BS1

Blueprint Genetics
Classification: Likely benign. Last evaluated: 2024-10-04. Review status: criteria provided, single submitter. Criteria: ACMG Guidelines, 2015. Collection method: clinical testing. Allele origin: germline.

Genome-Nilou Lab
Classification: Benign for Cardiac arrhythmia, ankyrin-B-related. Last evaluated: 2021-12-05. Review status: criteria provided, single submitter. Criteria: ACMG Guidelines, 2015. Collection method: clinical testing. Allele origin: germline. Affected: no.

GeneDx
Classification: Likely benign. Last evaluated: 2019-06-14. Review status: criteria provided, single submitter. Criteria: GeneDx Variant Classification Process June 2021. Collection method: clinical testing. Allele origin: germline. Affected: yes.
Comment: This variant is associated with the following publications: (PMID: 25351510)

Ambry Genetics
Classification: Benign for Cardiovascular phenotype. Last evaluated: 2017-07-10. Review status: criteria provided, single submitter. Criteria: Ambry Variant Classification Scheme 2023. Collection method: clinical testing. Allele origin: germline.

Illumina Laboratory Services, Illumina
Classification: Likely benign for Cardiac arrhythmia, ankyrin-B-related. Last evaluated: 2017-04-27. Review status: criteria provided, single submitter. Criteria: ICSL Variant Classification Criteria 13 December 2019. Collection method: clinical testing. Allele origin: germline.
Comment: This variant was observed as part of a predisposition screen in an ostensibly healthy population. A literature search was performed for the gene, cDNA change, and amino acid change (where applicable). No publications were found based on this search. Allele frequency data from public databases allowed determination this variant is unlikely to cause disease. Therefore, this variant is classified as likely benign.

Breakthrough Genomics
Classification: Likely benign. Review status: criteria provided, single submitter. Criteria: ACMG Guidelines, 2015. Collection method: not provided. Allele origin: germline. Inheritance: Autosomal dominant inheritance. Affected: yes.

NM_001148.6(ANK2):c.7267G>A (p.Ala2423Thr)

Genes: ANK2 (ankyrin 2; plus strand), LOC126807137 (CDK7 strongly-dependent group 2 enhancer GRCh37_chr4:114276560-114277759; plus strand). Cytogenetic location: 4q26.
Variant type: single nucleotide variant.
Coding change: c.7267G>A on transcript NM_001148.6 (MANE Select); coding-DNA position 7267, G replaced by A.
Protein change: p.Ala2423Thr; replaces alanine 2423 with threonine.
Molecular consequence: missense variant. On other transcripts: intron variant (68).
Genome position (GRCh38, 1-based): chr4:113,355,885, G>A. VCF-style: chr4-113355885-G-A. GRCh37 (hg19) VCF-style: chr4-114277041-G-A.
Other names: c.7033G>A, p.Ala2345Thr (NM_001386142.1); c.3667G>A, p.Ala1223Thr (NM_001386166.1); c.7408G>A, p.Ala2470Thr (NM_001386174.1); c.7384G>A, p.Ala2462Thr (NM_001386175.1); c.4412-4938G>A (NM_001386186.2, NM_001386148.2); c.4214-4938G>A (NM_001354269.3); c.4292-4938G>A (NM_001386187.2); c.4253-4938G>A (NM_001386147.1); and 35 more; short protein forms A2423T, A1223T, A2345T, A2462T, A2470T.
Identifiers: ClinVar variation 413978 (VCV000413978.47), dbSNP rs3733616, ClinGen allele CA3051567.